The following continues an entry in ClinVar:

NM_000517.4(HBA2):c.427T>C (p.Ter143Gln)

ClinVar aggregate classification (germline): Pathogenic. Pathogenic (1).

Submissions 8 to 20 of 20:

Women's Health and Genetics/Laboratory Corporation of America, LabCorp
Classification: Pathogenic for alpha Thalassemia. Last evaluated: 2025-04-01. Review status: criteria provided, single submitter. Criteria: LabCorp Variant Classification Summary - May 2015. Collection method: clinical testing. Allele origin: germline. Not counted in ClinVar's aggregate classification.
Comment: Variant summary: HBA2 c.427T>C (p.X143GlnextX31) changes the termination codon and is predicted to lead to an extended protein with additional amino acids added to the normal C-terminus. HBA2 c.427T>C (p.X143GlnextX31) causes a frameshift which results in an extension of the protein. The variant allele was found at a frequency of 5.6e-05 in 248854 control chromosomes. c.427T>C has been reported in the literature in the homozygous and compound heterozygous state multiple individuals affected with Alpha Thalassemia (Nguyen_2014, Nainggolan_2013). These data indicate that the variant is very likely to be associated with disease. At least one publication reports experimental evidence that this variant impacts red cell function and viability (Derry_1984). This variant is also known as Hb Constant Spring (HbVar ID 703). The following publications have been ascertained in the context of this evaluation (PMID: 23614625, 24368026, 6725554). ClinVar contains an entry for this variant (Variation ID: 15624). Based on the evidence outlined above, the variant was classified as pathogenic.

Center for Genomic Medicine, Rigshospitalet, Copenhagen University Hospital
Classification: Pathogenic. Last evaluated: 2025-03-04. Review status: criteria provided, single submitter. Criteria: ACMG Guidelines, 2015. Collection method: clinical testing. Allele origin: germline. Not counted in ClinVar's aggregate classification.

Blueprint Genetics
Classification: Pathogenic for HBA2-related disorders. Last evaluated: 2024-09-18. Review status: criteria provided, single submitter. Criteria: ACMG Guidelines, 2015. Collection method: clinical testing. Allele origin: germline. Affected: yes. Observed: 5 variant alleles. Not counted in ClinVar's aggregate classification.

Fulgent Genetics
Classification: Pathogenic for Heinz body anemia; alpha Thalassemia; Hemoglobin H disease; Erythrocytosis, familial, 7. Last evaluated: 2024-05-09. Review status: criteria provided, single submitter. Criteria: ACMG Guidelines, 2015. Collection method: clinical testing. Allele origin: germline. Not counted in ClinVar's aggregate classification.

Quest Diagnostics Nichols Institute San Juan Capistrano
Classification: Pathogenic. Last evaluated: 2023-09-19. Review status: criteria provided, single submitter. Criteria: Quest Diagnostics criteria. Collection method: clinical testing. Allele origin: unknown. Not counted in ClinVar's aggregate classification.
Comment: The HBA2 c.427T>C (p.*143Glnext*31) variant disrupts the translation stop codon of the HBA2 mRNA and is predicted to cause abnormal HBA2 protein elongation. In the published literature and online databases, this variant has been reported to be damaging to HBA2 function and results in an unstable protein (PMID: 7969150 (1994)). Additionally, this variant has been reported in individuals with Hb H disease that are compound heterozygous with other pathogenic HBA2 variants, such as Hb Adana (PMIDs: 24829075 (2014), 27271331 (2016)), Hb Pakse (PMIDs: 7502632 (1995), 28244614 (2018), 30615015 (2019)), and Hb Quong (PMID: 26956449 (2016)). This variant is commonly seen with the SEA alpha-1 deletion (PMIDs: 11836160 (2002), 32925409 (2021), 36459106 (2023)). Based on the available information, this variant is classified as pathogenic.

Genetics and Molecular Pathology, SA Pathology
Classification: Pathogenic for alpha Thalassemia. Last evaluated: 2022-07-27. Review status: criteria provided, single submitter. Criteria: ACMG Guidelines, 2015. Collection method: clinical testing. Allele origin: germline. Inheritance: Autosomal recessive inheritance. Affected: yes. Not counted in ClinVar's aggregate classification.
Comment: PS4, PM1, PM4, PP1, PP5

Victorian Clinical Genetics Services, Murdoch Childrens Research Institute
Classification: Pathogenic for alpha Thalassemia. Last evaluated: 2020-10-19. Review status: criteria provided, single submitter. Criteria: ACMG Guidelines, 2015. Collection method: clinical testing. Allele origin: germline. Affected: yes. Not counted in ClinVar's aggregate classification.
Comment: Based on the classification scheme VCGS_Germline_v1.1.1, this variant is classified as Pathogenic. Following criteria are met: 0102 - Loss-of-function is a known mechanism of disease for this gene. (N) 0108 - This gene is known to be associated with both recessive and dominant disease (OMIM). (N) 0208 - Variant is predicted to result in an elongated protein (exon 3 of 3). (P) 0251 - Variant is heterozygous. (N) 0304 - Variant is present in gnomAD <0.01 for a recessive condition (16 heterozygotes, 0 homozygotes). (P) 0702 - Comparable variants have strong previous evidence for pathogenicity (ClinVar). Four other elongated protein have been reported as pathogenic. (P) 0801 - Strong previous evidence of pathogenicity in multiple unrelated individuals. This is the most common pathogenic mutation reported in alpha thalassemia, known as the Hb Constant Sprint variant (ClinVar, PMID: 26757782). (N) Legend: (P) - Pathogenic, (N) - Neutral, (B) - Benign

Myriad Genetics, Inc.
Classification: Pathogenic for alpha Thalassemia. Last evaluated: 2019-12-20. Review status: criteria provided, single submitter. Criteria: Myriad Women's Health Autosomal Recessive and X-Linked Classification Criteria (2019). Collection method: clinical testing. Allele origin: unknown. Not counted in ClinVar's aggregate classification.
Comment: NM_000517.4(HBA2):c.427T>C(*143Qext*31, aka Hb Constant Spring) is classified as pathogenic in the context of alpha thalassemia and is classified as an alpha-plus variant. Sources cited for classification include the following: PMID 4944483, 12393486, 7327587, 2298455 and 17164653. Classification of NM_000517.4(HBA2):c.427T>C(*143Qext*31, aka Hb Constant Spring) is based on the following criteria: This variant is predicted to result in protein elongation in a gene and is a well-established pathogenic variant in the literature that has been observed more frequently in patients with clinical diagnoses than in healthy populations. Please note: this variant was assessed in the context of healthy population screening.

Genomic Research Center, Shahid Beheshti University of Medical Sciences
Classification: Pathogenic for alpha Thalassemia. Last evaluated: 2017-12-03. Review status: criteria provided, single submitter. Criteria: ACMG Guidelines, 2015. Collection method: clinical testing. Allele origin: inherited. Affected: yes. Not counted in ClinVar's aggregate classification.

Juno Genomics, Hangzhou Juno Genomics, Inc
Classification: Pathogenic for alpha Thalassemia. Review status: criteria provided, single submitter. Criteria: ACMG Guidelines, 2015. Collection method: clinical testing. Allele origin: germline. Not counted in ClinVar's aggregate classification.
Comment: Protein length changes due to in-frame deletions/insertions in a non-repeat region or stop-loss variants.;Well-established in vitro or in vivo functional studies supportive of a damaging effect on the gene or gene product.;For recessive disorders, detected in trans with a pathogenic variant.;Patient's phenotype or family history is highly specific for a disease with a single genetic etiology.

OMIM
Classification: other for HEMOGLOBIN CONSTANT SPRING. Last evaluated: 2022-09-12. Review status: no assertion criteria provided. Collection method: literature only. Allele origin: germline. Not counted in ClinVar's aggregate classification.

OMIM
Classification: Pathogenic for HEMOGLOBIN H DISEASE, NONDELETIONAL. Last evaluated: 1992-01-01. Review status: no assertion criteria provided. Collection method: literature only. Allele origin: germline. Not counted in ClinVar's aggregate classification.

GeneReviews
No classification provided. Condition: alpha Thalassemia. Review status: no classification provided. Collection method: literature only. Allele origin: germline. Not counted in ClinVar's aggregate classification.

Literature cited by the submitters: PubMed 2298455 (cited by 4 submitters); PubMed 4944483 (cited by 4 submitters); PubMed 12393486 (cited by Labcorp Genetics (formerly Invitae), Labcorp and Myriad Genetics, Inc.); PubMed 20507641 (cited by Labcorp Genetics (formerly Invitae), Labcorp); PubMed 6725554 (cited by Labcorp Genetics (formerly Invitae), Labcorp and Women's Health and Genetics/Laboratory Corporation of America, LabCorp); PubMed 9057661 (cited by Labcorp Genetics (formerly Invitae), Labcorp); PubMed 26956449 (cited by 3billion and Quest Diagnostics Nichols Institute San Juan Capistrano); PubMed 3177365 (cited by 3 submitters); PubMed 27271331 (cited by 3billion and Quest Diagnostics Nichols Institute San Juan Capistrano); PubMed 23614625 (cited by Natera, Inc. and Women's Health and Genetics/Laboratory Corporation of America, LabCorp); PubMed 24763232 (cited by Natera, Inc.); PubMed 24368026 (cited by Women's Health and Genetics/Laboratory Corporation of America, LabCorp); PubMed 20301608 (cited by Center for Genomic Medicine, Rigshospitalet, Copenhagen University Hospital); PubMed 2468982 (cited by Quest Diagnostics Nichols Institute San Juan Capistrano and OMIM); PubMed 4623704 (cited by Quest Diagnostics Nichols Institute San Juan Capistrano and OMIM); PubMed 1634361 (cited by Quest Diagnostics Nichols Institute San Juan Capistrano and OMIM); PubMed 24829075 (cited by Quest Diagnostics Nichols Institute San Juan Capistrano); PubMed 25523870 (cited by Quest Diagnostics Nichols Institute San Juan Capistrano); PubMed 21077767 (cited by Quest Diagnostics Nichols Institute San Juan Capistrano); PubMed 7502632 (cited by Quest Diagnostics Nichols Institute San Juan Capistrano); PubMed 36459106 (cited by Quest Diagnostics Nichols Institute San Juan Capistrano); PubMed 28125089 (cited by Quest Diagnostics Nichols Institute San Juan Capistrano); PubMed 30615015 (cited by Quest Diagnostics Nichols Institute San Juan Capistrano); PubMed 32860378 (cited by Quest Diagnostics Nichols Institute San Juan Capistrano); PubMed 32925409 (cited by Quest Diagnostics Nichols Institute San Juan Capistrano); PubMed 32338097 (cited by Quest Diagnostics Nichols Institute San Juan Capistrano); PubMed 34272389 (cited by Quest Diagnostics Nichols Institute San Juan Capistrano); PubMed 35314707 (cited by Quest Diagnostics Nichols Institute San Juan Capistrano); PubMed 11836160 (cited by Quest Diagnostics Nichols Institute San Juan Capistrano); PubMed 28244614 (cited by Quest Diagnostics Nichols Institute San Juan Capistrano); PubMed 7969150 (cited by Quest Diagnostics Nichols Institute San Juan Capistrano); PubMed 26757782 (cited by Victorian Clinical Genetics Services, Murdoch Childrens Research Institute); PubMed 7327587 (cited by Myriad Genetics, Inc.); PubMed 17164653 (cited by Myriad Genetics, Inc.); NCBI Bookshelf NBK1435 (cited by GeneReviews).